The following is an entry in ClinVar:

ClinVar aggregate classification (germline): Uncertain significance (1 of 4 stars; one submission).

Conditions:
Fetal akinesia deformation sequence 1 (FADS1). Also called: Pena-Shokeir syndrome type I; Fetal akinesia sequence. Identifiers: Orphanet 994, MedGen C1276035, MONDO:0100101, OMIM 208150, HP:0001989.
Congenital myasthenic syndrome 11. Also called: Myasthenic syndrome, congenital, 11, associated with acetylcholine receptor deficiency; MYASTHENIC SYNDROME, CONGENITAL, Ie. Identifiers: Orphanet 590, MedGen C4225367, MONDO:0014588, OMIM 616326.

Allele frequency attached by ClinVar (database versions not stated): gnomAD exomes below 0.00001.
gnomAD v4.1: 1 of 1,613,908 alleles (0.000062%); highest among the groups gnomAD compares: East Asian, 0.0022%; no homozygotes.

Submission:

Labcorp Genetics (formerly Invitae), Labcorp
Classification: Uncertain significance for Congenital myasthenic syndrome 11; Fetal akinesia deformation sequence 1. Last evaluated: 2022-07-04. Review status: criteria provided, single submitter. Criteria: Invitae Variant Classification Sherloc (09022015). Collection method: clinical testing. Allele origin: germline.
Comment: This sequence change replaces glutamic acid, which is acidic and polar, with alanine, which is neutral and non-polar, at codon 84 of the RAPSN protein (p.Glu84Ala). This variant is not present in population databases (gnomAD no frequency). This variant has not been reported in the literature in individuals affected with RAPSN-related conditions. Algorithms developed to predict the effect of missense changes on protein structure and function are either unavailable or do not agree on the potential impact of this missense change (SIFT: "Deleterious"; PolyPhen-2: "Probably Damaging"; Align-GVGD: "Class C0"). In summary, the available evidence is currently insufficient to determine the role of this variant in disease. Therefore, it has been classified as a Variant of Uncertain Significance.

NM_005055.5(RAPSN):c.251A>C (p.Glu84Ala)

Gene: RAPSN (receptor associated protein of the synapse; minus strand). Cytogenetic location: 11p11.2.
Variant type: single nucleotide variant.
Coding change: c.251A>C on transcript NM_005055.5 (MANE Select); coding-DNA position 251, A replaced by C.
Protein change: p.Glu84Ala; replaces glutamic acid 84 with alanine.
Molecular consequence: missense variant.
Genome position (GRCh38, 1-based): chr11:47,448,092, T>G on the plus strand (A>C on the coding strand, the complement: RAPSN is on the minus strand). VCF-style: chr11-47448092-T-G. GRCh37 (hg19) VCF-style: chr11-47469644-T-G.
Other names: c.251A>C, p.Glu84Ala (NM_032645.5); short protein forms E84A.
Identifiers: ClinVar variation 2177568 (VCV002177568.1), dbSNP rs2153311355, ClinGen allele CA380334945.